The following is an entry in ClinVar:

NM_000287.4(PEX6):c.2663G>T (p.Arg888Leu)

Gene: PEX6 (peroxisomal biogenesis factor 6; minus strand). Cytogenetic location: 6p21.1.
Variant type: single nucleotide variant.
Coding change: c.2663G>T on transcript NM_000287.4 (MANE Select); coding-DNA position 2663, G replaced by T.
Protein change: p.Arg888Leu; replaces arginine 888 with leucine.
Molecular consequence: missense variant. On other transcripts: non-coding transcript variant (1).
Genome position (GRCh38, 1-based): chr6:42,965,078, C>A on the plus strand (G>T on the coding strand, the complement: PEX6 is on the minus strand). VCF-style: chr6-42965078-C-A. GRCh37 (hg19) VCF-style: chr6-42932816-C-A.
Other names: c.2399G>T, p.Arg800Leu (NM_001316313.2); short protein forms R888L, R800L.
Identifiers: ClinVar variation 520796 (VCV000520796.9), dbSNP rs267608247, ClinGen allele CA364150541.

ClinVar aggregate classification (germline): Conflicting classifications of pathogenicity. Review status: criteria provided, conflicting classifications (1 of 4 stars). 2 submissions from 2 submitters: Pathogenic (1); Uncertain significance (1). Last evaluated 2021-09-24.

Conditions:
Inborn genetic diseases. Identifiers: MedGen C0950123, MeSH D030342.
Peroxisome biogenesis disorder. Identifiers: Orphanet 79189, MedGen C1832200, MONDO:0019234. Disease mechanism: loss of function.

Submissions (2):

Labcorp Genetics (formerly Invitae), Labcorp
Classification: Uncertain significance for Peroxisome biogenesis disorder. Last evaluated: 2021-09-24. Review status: criteria provided, single submitter. Criteria: Invitae Variant Classification Sherloc (09022015). Collection method: clinical testing. Allele origin: germline.
Comment: This sequence change replaces arginine with leucine at codon 888 of the PEX6 protein (p.Arg888Leu). The arginine residue is highly conserved and there is a moderate physicochemical difference between arginine and leucine. This variant is not present in population databases (ExAC no frequency). This variant has not been reported in the literature in individuals with PEX6-related conditions. ClinVar contains an entry for this variant (Variation ID: 520796). Algorithms developed to predict the effect of missense changes on protein structure and function (SIFT, PolyPhen-2, Align-GVGD) all suggest that this variant is likely to be disruptive, but these predictions have not been confirmed by published functional studies and their clinical significance is uncertain. In summary, the available evidence is currently insufficient to determine the role of this variant in disease. Therefore, it has been classified as a Variant of Uncertain Significance.

Ambry Genetics
Classification: Pathogenic for Inborn genetic diseases. Last evaluated: 2015-10-01. Review status: criteria provided, single submitter. Criteria: Ambry exome assertion method (8-5-2015). Collection method: clinical testing. Allele origin: germline. Affected: yes. Observed: 1 variant allele.